The following is an entry in ClinVar:

NM_019597.5(HNRNPH2):c.638C>T (p.Pro213Leu)

Genes: RPL36A-HNRNPH2 (RPL36A-HNRNPH2 readthrough; plus strand), HNRNPH2 (heterogeneous nuclear ribonucleoprotein H2; plus strand). Cytogenetic location: Xq22.1.
Variant type: single nucleotide variant.
Coding change: c.638C>T on transcript NM_019597.5 (MANE Select); coding-DNA position 638, C replaced by T.
Protein change: p.Pro213Leu; replaces proline 213 with leucine.
Molecular consequence: missense variant. On other transcripts: 3 prime UTR variant (2).
Genome position (GRCh38, 1-based): chrX:101,412,626, C>T. VCF-style: chrX-101412626-C-T. GRCh37 (hg19) VCF-style: chrX-100667614-C-T.
Other names: c.*634C>T (NM_001199973.2, NM_001199974.2); c.638C>T, p.Pro213Leu (NM_001032393.3); short protein forms P213L.
Identifiers: ClinVar variation 1301225 (VCV001301225.6), dbSNP rs782534334, ClinGen allele CA413942633.

ClinVar aggregate classification (germline): Conflicting classifications of pathogenicity. Review status: criteria provided, conflicting classifications (1 of 4 stars). 2 submissions from 2 submitters: Pathogenic (1); Uncertain significance (1). Last evaluated 2026-09-01.

Submissions (2):

GeneDx
Classification: Pathogenic. Last evaluated: 2026-09-01. Review status: criteria provided, single submitter. Criteria: GeneDx Variant Classification Process June 2021. Collection method: clinical testing. Allele origin: germline.
Comment: Published functional studies demonstrate that P213L impairs hnRNPH2 interaction with selected myelin-associated transcripts and is associated with defective oligodendrocyte maturation and myelination in a mouse model (PMID: 41443536); Not observed at significant frequency in large population cohorts (gnomAD); In silico analysis supports that this missense variant has a deleterious effect on protein structure/function; This variant is associated with the following publications: (PMID: 36711837, 37463454, 33728377, 41443536)

Blueprint Genetics
Classification: Uncertain significance. Last evaluated: 2024-09-16. Review status: criteria provided, single submitter. Criteria: ACMG Guidelines, 2015. Collection method: clinical testing. Allele origin: germline.